The following is an entry in ClinVar:

ClinVar aggregate classification (germline): Uncertain significance (1 of 4 stars; one submission).

Conditions:
Cardiovascular phenotype. Identifiers: MedGen CN230736.

Allele frequency attached by ClinVar (database versions not stated): gnomAD 0.00001; TOPMed 0.00001.
gnomAD v4.1: 1 of 1,613,988 alleles (0.000062%); highest among the groups gnomAD compares: Non-Finnish European, 0.000085%; no homozygotes.

Submission:

Ambry Genetics
Classification: Uncertain significance for Cardiovascular phenotype. Last evaluated: 2022-06-27. Review status: criteria provided, single submitter. Criteria: Ambry Variant Classification Scheme 2023. Collection method: clinical testing. Allele origin: germline.
Comment: The p.N2774K variant (also known as c.8322T>A), located in coding exon 26 of the APOB gene, results from a T to A substitution at nucleotide position 8322. The asparagine at codon 2774 is replaced by lysine, an amino acid with similar properties. This amino acid position is conserved. In addition, this alteration is predicted to be tolerated by in silico analysis. Since supporting evidence is limited at this time, the clinical significance of this alteration remains unclear.

NM_000384.3(APOB):c.8322T>A (p.Asn2774Lys)

Gene: APOB (apolipoprotein B; minus strand). Cytogenetic location: 2p24.1.
Variant type: single nucleotide variant.
Coding change: c.8322T>A on transcript NM_000384.3 (MANE Select); coding-DNA position 8322, T replaced by A.
Protein change: p.Asn2774Lys; replaces asparagine 2774 with lysine.
Molecular consequence: missense variant.
Genome position (GRCh38, 1-based): chr2:21,008,546, A>T on the plus strand (T>A on the coding strand, the complement: APOB is on the minus strand). VCF-style: chr2-21008546-A-T. GRCh37 (hg19) VCF-style: chr2-21231418-A-T.
Other names: short protein forms N2774K.
Identifiers: ClinVar variation 1762933 (VCV001762933.2), dbSNP rs1377335760, ClinGen allele CA345994556.